The following is an entry in ClinVar:

NM_000051.4(ATM):c.902-9G>A

Gene: ATM (ATM serine/threonine kinase; plus strand). Cytogenetic location: 11q22.3.
Variant type: single nucleotide variant.
Coding change: c.902-9G>A on transcript NM_000051.4 (MANE Select); 9 bases into the intron before coding-DNA position 902, G replaced by A.
Molecular consequence: intron variant.
Genome position (GRCh38, 1-based): chr11:108,246,955, G>A. VCF-style: chr11-108246955-G-A. GRCh37 (hg19) VCF-style: chr11-108117682-G-A.
Other names: c.902-9G>A (NM_001351834.2).
Identifiers: ClinVar variation 2843365 (VCV002843365.3), dbSNP rs2135264415, ClinGen allele CA2739270949.

ClinVar aggregate classification (germline): Uncertain significance (1 of 4 stars; one submission).

Conditions:
Ataxia-telangiectasia syndrome (AT). Also called: Cerebello-oculocutaneous telangiectasia; Immunodeficiency with ataxia telangiectasia; Ataxia-telangiectasia, complementation group E; Ataxia-telangiectasia, complementation group D; LOUIS-BAR SYNDROME; AT, COMPLEMENTATION GROUP C. Identifiers: Orphanet 100, MedGen C0004135, MONDO:0008840, OMIM 208900.

Submission:

Labcorp Genetics (formerly Invitae), Labcorp
Classification: Uncertain significance for Ataxia-telangiectasia syndrome. Last evaluated: 2023-03-07. Review status: criteria provided, single submitter. Criteria: Invitae Variant Classification Sherloc (09022015). Collection method: clinical testing. Allele origin: germline.
Comment: In summary, the available evidence is currently insufficient to determine the role of this variant in disease. Therefore, it has been classified as a Variant of Uncertain Significance. Studies have shown that this variant results in activation of a cryptic splice site and introduces a premature termination codon (Invitae). The resulting mRNA is expected to undergo nonsense-mediated decay. This variant has not been reported in the literature in individuals affected with ATM-related conditions. This variant is not present in population databases (gnomAD no frequency). This sequence change falls in intron 7 of the ATM gene. It does not directly change the encoded amino acid sequence of the ATM protein. RNA analysis indicates that this variant induces altered splicing and may result in an absent or disrupted protein product.